The following is an entry in ClinVar:

NM_015057.5(MYCBP2):c.7263A>G (p.Gly2421=)

Gene: MYCBP2 (MYC binding protein 2; minus strand). Cytogenetic location: 13q22.3.
Variant type: single nucleotide variant.
Coding change: c.7263A>G on transcript NM_015057.5 (MANE Select); coding-DNA position 7263, A replaced by G.
Protein change: p.Gly2421=; no amino-acid change (glycine 2421 retained).
Molecular consequence: synonymous variant.
Genome position (GRCh38, 1-based): chr13:77,144,485, T>C on the plus strand (A>G on the coding strand, the complement: MYCBP2 is on the minus strand). VCF-style: chr13-77144485-T-C. GRCh37 (hg19) VCF-style: chr13-77718620-T-C.
Identifiers: ClinVar variation 3057857 (VCV003057857.2), dbSNP rs565792205, ClinGen allele CA7009003.

ClinVar aggregate classification (germline): Likely benign (0 of 4 stars; one submission).

Conditions:
MYCBP2-related disorder. Also called: MYCBP2-related condition.

Allele frequency attached by ClinVar (database versions not stated): gnomAD exomes below 0.00001; ExAC 0.00001; gnomAD 0.00001; 1000 Genomes Project 0.00020; 1000 Genomes Project 30x 0.00031.
gnomAD v4.1: 8 of 1,613,496 alleles (0.0005%); highest among the groups gnomAD compares: Middle Eastern, 0.033%; no homozygotes.

Submission:

PreventionGenetics, part of Exact Sciences
Classification: Likely benign for MYCBP2-related condition. Last evaluated: 2019-02-20. Review status: no assertion criteria provided. Collection method: clinical testing. Allele origin: germline.
Comment: This variant is classified as likely benign based on ACMG/AMP sequence variant interpretation guidelines (Richards et al. 2015 PMID: 25741868, with internal and published modifications).